The following is an entry in ClinVar:

NM_194248.3(OTOF):c.2521G>A (p.Glu841Lys)

Gene: OTOF (otoferlin; minus strand). Cytogenetic location: 2p23.3.
Variant type: single nucleotide variant.
Coding change: c.2521G>A on transcript NM_194248.3 (MANE Select); coding-DNA position 2521, G replaced by A.
Protein change: p.Glu841Lys; replaces glutamic acid 841 with lysine.
Molecular consequence: missense variant.
Genome position (GRCh38, 1-based): chr2:26,477,174, C>T on the plus strand (G>A on the coding strand, the complement: OTOF is on the minus strand). VCF-style: chr2-26477174-C-T. GRCh37 (hg19) VCF-style: chr2-26700042-C-T.
Other names: c.2521G>A, p.Glu841Lys (NM_001287489.2); c.280G>A, p.Glu94Lys (NM_004802.4, NM_194323.3); c.451G>A, p.Glu151Lys (NM_194322.3); c.2521G>A (NM_194248.2); short protein forms E151K, E841K, E94K.
Identifiers: ClinVar variation 1302777 (VCV001302777.7), dbSNP rs772729658, ClinGen allele CA1563883.

ClinVar aggregate classification (germline): Conflicting classifications of pathogenicity. Review status: criteria provided, conflicting classifications (1 of 4 stars). 4 submissions from 4 submitters: Pathogenic (1); Uncertain significance (2). 1 of the submissions does not count toward it. Last evaluated 2024-01-18.

Conditions:
Autosomal recessive nonsyndromic hearing loss 9. Also called: OTOF-Related Hearing Loss; Deafness, autosomal recessive 9; NEUROSENSORY NONSYNDROMIC RECESSIVE DEAFNESS 9; AUDITORY NEUROPATHY, AUTOSOMAL RECESSIVE, 1, TEMPERATURE-SENSITIVE. Identifiers: Orphanet 90636, MedGen C1832828, MONDO:0010986, OMIM 601071.

Allele frequency attached by ClinVar (database versions not stated): gnomAD 0.00001; TOPMed 0.00001; gnomAD exomes 0.00002; ExAC 0.00003.
gnomAD v4.1: 26 of 1,609,814 alleles (0.0016%); highest among the groups gnomAD compares: East Asian, 0.011%; no homozygotes.

Submissions (4):

Labcorp Genetics (formerly Invitae), Labcorp
Classification: Pathogenic. Last evaluated: 2024-01-18. Review status: criteria provided, single submitter. Criteria: Invitae Variant Classification Sherloc (09022015). Collection method: clinical testing. Allele origin: germline.
Comment: This sequence change replaces glutamic acid, which is acidic and polar, with lysine, which is basic and polar, at codon 841 of the OTOF protein (p.Glu841Lys). This variant is present in population databases (rs772729658, gnomAD 0.02%). This missense change has been observed in individual(s) with auditory neuropathy (PMID: 26632695, 28766844, 30482216). In at least one individual the data is consistent with being in trans (on the opposite chromosome) from a pathogenic variant. It has also been observed to segregate with disease in related individuals. This variant is also known as p.E856K. ClinVar contains an entry for this variant (Variation ID: 1302777). An algorithm developed to predict the effect of missense changes on protein structure and function (PolyPhen-2) suggests that this variant is likely to be tolerated. For these reasons, this variant has been classified as Pathogenic.

Women's Health and Genetics/Laboratory Corporation of America, LabCorp
Classification: Uncertain significance. Last evaluated: 2023-07-24. Review status: criteria provided, single submitter. Criteria: LabCorp Variant Classification Summary - May 2015. Collection method: clinical testing. Allele origin: germline.
Comment: Variant summary: OTOF c.2521G>A (p.Glu841Lys) results in a conservative amino acid change in the encoded protein sequence. Three of five in-silico tools predict a damaging effect of the variant on protein function. Computational tools predict no significant impact on normal splicing. However, these predictions have yet to be confirmed by functional studies. The variant allele was found at a frequency of 2.1e-05 in 243184 control chromosomes (gnomAD). c.2521G>A has been reported in the literature in individuals affected with auditory neuropathy spectrum disorder (e.g. Chang_2015, Wu_2018, Kim_2018, Kim_2021, Forli_2023). These data indicate that the variant may be associated with disease. To our knowledge, no experimental evidence demonstrating an impact on protein function has been reported. The following publications have been ascertained in the context of this evaluation (PMID: 26632695, 30482216, 34593925, 28766844, 31581539, 36837553). One submitter has provided a clinical-significance assessment for this variant to ClinVar after 2014 and has classified the variant as uncertain significance. Based on the evidence outlined above, the variant was classified as VUS-possibly pathogenic.

GeneDx
Classification: Uncertain significance. Last evaluated: 2020-04-06. Review status: criteria provided, single submitter. Criteria: GeneDx Variant Classification Process June 2021. Collection method: clinical testing. Allele origin: germline. Affected: yes.
Comment: In silico analysis supports that this missense variant has a deleterious effect on protein structure/function; This variant is associated with the following publications: (PMID: 26632695, 30482216)

Diagnosis and Treatment Center of Genetic Hearing Loss, Eye & ENT Hospital of Fudan University
Classification: Pathogenic for Autosomal recessive nonsyndromic hearing loss 9. Last evaluated: 2026-02-04. Review status: no assertion criteria provided. Collection method: clinical testing. Allele origin: germline. Inheritance: Autosomal recessive inheritance. Affected: yes. Not counted in ClinVar's aggregate classification.
Comment: The c.2521G>A missense variant in OTOF (exon 21) has been reported in at least seven patients with a second pathogenic/likely pathogenic variant (e.g., c.5816G>A, c.4227+5G>C, c.3032T>C, and four patients with c.5098G>C) (PM3_VeryStrong). The maximum population frequency is 0.0002 (PM2_Supporting). The REVEL score is 0.745 (PP3). The phenotype is consistent with auditory neuropathy (PP4).

Literature cited by the submitters: PubMed 26632695 (cited by 3 submitters); PubMed 28766844 (cited by 3 submitters); PubMed 30482216 (cited by 3 submitters); PubMed 31581539 (cited by Women's Health and Genetics/Laboratory Corporation of America, LabCorp); PubMed 36837553 (cited by Women's Health and Genetics/Laboratory Corporation of America, LabCorp and Diagnosis and Treatment Center of Genetic Hearing Loss, Eye & ENT Hospital of Fudan University); PubMed 34593925 (cited by Women's Health and Genetics/Laboratory Corporation of America, LabCorp); PubMed 34426522 (cited by Diagnosis and Treatment Center of Genetic Hearing Loss, Eye & ENT Hospital of Fudan University); PubMed 32555439 (cited by Diagnosis and Treatment Center of Genetic Hearing Loss, Eye & ENT Hospital of Fudan University).